The following is an entry in ClinVar:

NM_031407.7(HUWE1):c.12762G>A (p.Leu4254=)

Gene: HUWE1 (HECT, UBA and WWE domain containing E3 ubiquitin protein ligase 1; minus strand). Cytogenetic location: Xp11.22.
Variant type: single nucleotide variant.
Coding change: c.12762G>A on transcript NM_031407.7 (MANE Select); coding-DNA position 12762, G replaced by A.
Protein change: p.Leu4254=; no amino-acid change (leucine 4254 retained).
Molecular consequence: synonymous variant.
Genome position (GRCh38, 1-based): chrX:53,534,585, C>T on the plus strand (G>A on the coding strand, the complement: HUWE1 is on the minus strand). VCF-style: chrX-53534585-C-T. GRCh37 (hg19) VCF-style: chrX-53561546-C-T.
Other names: c.12762G>A (NM_031407.6).
Identifiers: ClinVar variation 1260180 (VCV001260180.33), dbSNP rs143818136, ClinGen allele CA10421147.

ClinVar aggregate classification (germline): Benign/Likely benign. Review status: criteria provided, multiple submitters, no conflicts (2 of 4 stars). 6 submissions from 6 submitters: Benign (3); Likely benign (2). 1 of the submissions does not count toward it. Last evaluated 2025-10-17.

Conditions:
HUWE1-related disorder. Also called: HUWE1-related condition.

Allele frequency attached by ClinVar (database versions not stated): TOPMed 0.00014; gnomAD exomes 0.00020 and 0.00033; gnomAD 0.00022 and 0.00025; ExAC 0.00024; ESP Exome Variant Server 0.00028.
gnomAD v4.1: 260 of 1,207,934 alleles (0.022%); highest among the groups gnomAD compares: Middle Eastern, 0.63%; 1 homozygote.

Submissions (6):

Labcorp Genetics (formerly Invitae), Labcorp
Classification: Benign. Last evaluated: 2025-10-17. Review status: criteria provided, single submitter. Criteria: Invitae Variant Classification Sherloc (09022015). Collection method: clinical testing. Allele origin: germline.

Blueprint Genetics
Classification: Likely benign. Last evaluated: 2023-12-22. Review status: criteria provided, single submitter. Criteria: ACMG Guidelines, 2015. Collection method: clinical testing. Allele origin: germline.

CeGaT Center for Human Genetics Tuebingen
Classification: Likely benign. Last evaluated: 2023-04-01. Review status: criteria provided, single submitter. Criteria: CeGaT Center For Human Genetics Tuebingen Variant Classification Criteria Version 2. Collection method: clinical testing. Allele origin: germline. Affected: yes. Observed: 2 variant alleles.
Comment: HUWE1: BP4, BS2

GeneDx
Classification: Benign. Last evaluated: 2020-07-28. Review status: criteria provided, single submitter. Criteria: GeneDx Variant Classification Process June 2021. Collection method: clinical testing. Allele origin: germline. Affected: yes.

Breakthrough Genomics
Classification: Benign. Review status: criteria provided, single submitter. Criteria: ACMG Guidelines, 2015. Collection method: not provided. Allele origin: germline. Inheritance: X-linked inheritance. Affected: yes.

PreventionGenetics, part of Exact Sciences
Classification: Benign for HUWE1-related condition. Last evaluated: 2019-07-31. Review status: no assertion criteria provided. Collection method: clinical testing. Allele origin: germline. Not counted in ClinVar's aggregate classification.
Comment: This variant is classified as benign based on ACMG/AMP sequence variant interpretation guidelines (Richards et al. 2015 PMID: 25741868, with internal and published modifications).